The following is an entry in ClinVar:

NM_001244008.2(KIF1A):c.2679C>T (p.Pro893=)

Gene: KIF1A (kinesin family member 1A; minus strand). Cytogenetic location: 2q37.3.
Variant type: single nucleotide variant.
Coding change: c.2679C>T on transcript NM_001244008.2 (MANE Select); coding-DNA position 2679, C replaced by T.
Protein change: p.Pro893=; no amino-acid change (proline 893 retained).
Molecular consequence: synonymous variant. On other transcripts: intron variant (18).
Genome position (GRCh38, 1-based): chr2:240,757,498, G>A on the plus strand (C>T on the coding strand, the complement: KIF1A is on the minus strand). VCF-style: chr2-240757498-G-A. GRCh37 (hg19) VCF-style: chr2-241696915-G-A.
Other names: c.2679C>T (NM_001244008.1); c.2754C>T, p.Pro918= (NM_001379631.1); c.2628C>T, p.Pro876= (NM_001379632.1); c.2652C>T, p.Pro884= (NM_001379633.1, NM_001379642.1, NM_001379645.1); c.2555+862C>T (NM_001379653.1, NM_001379650.1, NM_001379640.1 and 6 more transcripts); c.2657+862C>T (NM_001379635.1, NM_001330290.2, NM_001379646.1 and 1 more transcripts); c.2630+862C>T (NM_001379637.1, NM_001379648.1); c.2582+862C>T (NM_001320705.2, NM_001379638.1, NM_001330289.2).
Identifiers: ClinVar variation 509159 (VCV000509159.2), dbSNP rs779260684, ClinGen allele CA2208041.

ClinVar aggregate classification (germline): Likely benign. Review status: criteria provided, multiple submitters, no conflicts (2 of 4 stars). 2 submissions from 2 submitters: Likely benign (2). Last evaluated 2026-03-06.

Conditions:
KIF1A-related disorder. Also called: KIF1A-related disorders; KIF1A-related condition.

Allele frequency attached by ClinVar (database versions not stated): gnomAD 0.00005; gnomAD exomes 0.00005; TOPMed 0.00010; ExAC 0.00012.
gnomAD v4.1: 42 of 1,550,310 alleles (0.0027%); highest among the groups gnomAD compares: Middle Eastern, 0.033%; no homozygotes.

Submissions (2):

PreventionGenetics, part of Exact Sciences
Classification: Likely benign for KIF1A-related condition. Last evaluated: 2026-03-06. Review status: criteria provided, single submitter. Criteria: ACMG Guidelines, 2015. Collection method: clinical testing. Allele origin: germline.
Comment: This variant is classified as likely benign based on ACMG/AMP sequence variant interpretation guidelines (Richards et al. 2015 PMID: 25741868, with internal and published modifications).

GeneDx
Classification: Likely benign. Last evaluated: 2017-04-27. Review status: criteria provided, single submitter. Criteria: GeneDx Variant Classification (06012015). Collection method: clinical testing. Allele origin: germline. Affected: yes.
Comment: This variant is considered likely benign or benign based on one or more of the following criteria: it is a conservative change, it occurs at a poorly conserved position in the protein, it is predicted to be benign by multiple in silico algorithms, and/or has population frequency not consistent with disease.